The following is an entry in ClinVar:

ClinVar aggregate classification (germline): Benign. Review status: criteria provided, multiple submitters, no conflicts (2 of 4 stars). 2 submissions from 2 submitters: Benign (2). Last evaluated 2018-06-15.

Allele frequency attached by ClinVar (database versions not stated): gnomAD 0.06567 and 0.07044; 1000 Genomes Project 0.06949; TOPMed 0.07428; 1000 Genomes Project 30x 0.07745.
gnomAD v4.1: 9,892 of 152,168 alleles (6.5%); highest among the groups gnomAD compares: African/African-American, 23%; 1,043 homozygotes.

Submissions (2):

GeneDx
Classification: Benign. Last evaluated: 2018-06-15. Review status: criteria provided, single submitter. Criteria: GeneDx Variant Classification (06012015). Collection method: clinical testing. Allele origin: germline. Affected: yes.
Comment: This variant is considered likely benign or benign based on one or more of the following criteria: it is a conservative change, it occurs at a poorly conserved position in the protein, it is predicted to be benign by multiple in silico algorithms, and/or has population frequency not consistent with disease.

Breakthrough Genomics
Classification: Benign. Review status: criteria provided, single submitter. Criteria: ACMG Guidelines, 2015. Collection method: not provided. Allele origin: germline. Inheritance: Autosomal recessive inheritance. Affected: yes.

NM_006231.4(POLE):c.2469-227C>T

Gene: POLE (DNA polymerase epsilon, catalytic subunit; minus strand). Cytogenetic location: 12q24.33.
Variant type: single nucleotide variant.
Coding change: c.2469-227C>T on transcript NM_006231.4 (MANE Select); 227 bases into the intron before coding-DNA position 2469, C replaced by T.
Molecular consequence: intron variant.
Genome position (GRCh38, 1-based): chr12:132,664,689, G>A on the plus strand (C>T on the coding strand, the complement: POLE is on the minus strand). VCF-style: chr12-132664689-G-A. GRCh37 (hg19) VCF-style: chr12-133241275-G-A.
Identifiers: ClinVar variation 679707 (VCV000679707.2), dbSNP rs5744831, ClinGen allele CA13717825.